The following is an entry in ClinVar:

NM_002087.4(GRN):c.560del (p.Leu187fs)

Gene: GRN (granulin precursor; plus strand). Cytogenetic location: 17q21.31.
Variant type: Deletion.
Coding change: c.560del on transcript NM_002087.4 (MANE Select); coding-DNA position 560, one base deleted (T; older notation c.560delT).
Protein change: p.Leu187fs; shifts the reading frame from leucine 187.
Molecular consequence: frameshift variant.
Genome position (GRCh38, 1-based): chr17:44,350,539, T deleted. VCF-style (leftmost placement, unchanged base first): chr17-44350538-CT-C. GRCh37 (hg19) VCF-style: chr17-42427906-CT-C.
Other names: short protein forms L187fs.
Identifiers: ClinVar variation 599615 (VCV000599615.1), dbSNP rs1567886478, ClinGen allele CA913191164.

ClinVar aggregate classification (germline): Pathogenic (1 of 4 stars; one submission).

Conditions:
Frontotemporal dementia (FTD1). Also called: Frontotemporal lobe dementia (FLDEM); Frontotemporal Dementia with Parkinsonism-17 (FTDP-17); FRONTOTEMPORAL DEMENTIA WITH PARKINSONISM; FRONTOTEMPORAL LOBE DEMENTIA; MULTIPLE SYSTEM TAUOPATHY WITH PRESENILE DEMENTIA; WILHELMSEN-LYNCH DISEASE. Identifiers: Orphanet 282, MedGen C0338451, MONDO:0017276, OMIM 600274, HP:0002145.

Allele frequency attached by ClinVar (database versions not stated): gnomAD exomes below 0.00001.

Submission:

Human Genetics Group at Institute of Prion Diseases London, University College London
Classification: Pathogenic for Frontotemporal dementia. Last evaluated: 2017-02-01. Review status: criteria provided, single submitter. Criteria: Koriath et al. 2018. Collection method: clinical testing. Allele origin: inherited. Affected: yes. Observed: 1 variant allele.
Comment: This result supports the diagnosis of a GRN-related dementia. This 1-bp deletion in granulin exon 6 causes a frameshift and a premature stop 69 codons downstream. Although this specific sequence change has not been previously reported, several pathogenic frameshift mutations in GRN have been previously described in the literature

Confirmed by Sanger sequencing